The following is an entry in ClinVar:

NM_000528.4(MAN2B1):c.439C>T (p.Arg147Cys)

Gene: MAN2B1 (mannosidase alpha class 2B member 1; minus strand). Cytogenetic location: 19p13.13.
Variant type: single nucleotide variant.
Coding change: c.439C>T on transcript NM_000528.4 (MANE Select); coding-DNA position 439, C replaced by T.
Protein change: p.Arg147Cys; replaces arginine 147 with cysteine.
Molecular consequence: missense variant.
Genome position (GRCh38, 1-based): chr19:12,664,983, G>A on the plus strand (C>T on the coding strand, the complement: MAN2B1 is on the minus strand). VCF-style: chr19-12664983-G-A. GRCh37 (hg19) VCF-style: chr19-12775797-G-A.
Other names: c.439C>T, p.Arg147Cys (NM_001173498.2); short protein forms R147C.
Identifiers: ClinVar variation 990085 (VCV000990085.5), dbSNP rs765088432, ClinGen allele CA9226797.

ClinVar aggregate classification (germline): Uncertain significance. Review status: criteria provided, multiple submitters, no conflicts (2 of 4 stars). 3 submissions from 3 submitters: Uncertain significance (2). 1 of the submissions does not count toward it. Last evaluated 2022-05-25.

Conditions:
Deficiency of alpha-mannosidase (MANSA). Also called: Mannosidosis, alpha-, types I and II; Alpha-Mannosidosis; LYSOSOMAL ALPHA-D-MANNOSIDASE DEFICIENCY. Identifiers: Orphanet 61, MedGen C0024748, MONDO:0009561, OMIM 248500.

Allele frequency attached by ClinVar (database versions not stated): gnomAD 0.00001; gnomAD exomes 0.00001 and 0.00002; ExAC 0.00003.
gnomAD v4.1: 18 of 1,613,002 alleles (0.0011%); highest among the groups gnomAD compares: South Asian, 0.011%; no homozygotes.

Submissions (3):

Labcorp Genetics (formerly Invitae), Labcorp
Classification: Uncertain significance for Deficiency of alpha-mannosidase. Last evaluated: 2022-05-25. Review status: criteria provided, single submitter. Criteria: Invitae Variant Classification Sherloc (09022015). Collection method: clinical testing. Allele origin: germline.
Comment: This sequence change replaces arginine, which is basic and polar, with cysteine, which is neutral and slightly polar, at codon 147 of the MAN2B1 protein (p.Arg147Cys). This variant is present in population databases (rs765088432, gnomAD 0.02%). This variant has not been reported in the literature in individuals affected with MAN2B1-related conditions. ClinVar contains an entry for this variant (Variation ID: 990085). Algorithms developed to predict the effect of missense changes on protein structure and function (SIFT, PolyPhen-2, Align-GVGD) all suggest that this variant is likely to be disruptive. Algorithms developed to predict the effect of sequence changes on RNA splicing suggest that this variant may create or strengthen a splice site. In summary, the available evidence is currently insufficient to determine the role of this variant in disease. Therefore, it has been classified as a Variant of Uncertain Significance.

Fulgent Genetics
Classification: Uncertain significance for Deficiency of alpha-mannosidase. Last evaluated: 2021-11-24. Review status: criteria provided, single submitter. Criteria: ACMG Guidelines, 2015. Collection method: clinical testing. Allele origin: unknown.

Natera, Inc.
Classification: Uncertain significance for Alpha-mannosidosis. Last evaluated: 2020-08-13. Review status: no assertion criteria provided. Collection method: clinical testing. Allele origin: germline. Not counted in ClinVar's aggregate classification.